The following is an entry in ClinVar:

ClinVar aggregate classification (germline): Uncertain significance (1 of 4 stars; one submission).

Conditions:
Ataxia-telangiectasia syndrome (AT). Also called: Ataxia telangiectasia (A-T); LOUIS-BAR SYNDROME; Cerebello-oculocutaneous telangiectasia; Immunodeficiency with ataxia telangiectasia; Ataxia-telangiectasia, complementation group D; AT, COMPLEMENTATION GROUP C. Identifiers: Orphanet 100, MedGen C0004135, MONDO:0008840, OMIM 208900.

Submission:

Labcorp Genetics (formerly Invitae), Labcorp
Classification: Uncertain significance for Ataxia-telangiectasia syndrome. Last evaluated: 2022-10-25. Review status: criteria provided, single submitter. Criteria: Invitae Variant Classification Sherloc (09022015). Collection method: clinical testing. Allele origin: germline.
Comment: This sequence change replaces leucine, which is neutral and non-polar, with proline, which is neutral and non-polar, at codon 3013 of the ATM protein (p.Leu3013Pro). This variant is not present in population databases (gnomAD no frequency). This variant has not been reported in the literature in individuals affected with ATM-related conditions. Algorithms developed to predict the effect of missense changes on protein structure and function (SIFT, PolyPhen-2, Align-GVGD) all suggest that this variant is likely to be disruptive. In summary, the available evidence is currently insufficient to determine the role of this variant in disease. Therefore, it has been classified as a Variant of Uncertain Significance.

NM_000051.4(ATM):c.9038T>C (p.Leu3013Pro)

Genes: ATM (ATM serine/threonine kinase; plus strand), C11orf65 (chromosome 11 open reading frame 65; minus strand). Cytogenetic location: 11q22.3.
Variant type: single nucleotide variant.
Coding change: c.9038T>C on transcript NM_000051.4 (MANE Select); coding-DNA position 9038, T replaced by C.
Protein change: p.Leu3013Pro; replaces leucine 3013 with proline.
Molecular consequence: missense variant. On other transcripts: intron variant (2).
Genome position (GRCh38, 1-based): chr11:108,365,375, T>C. VCF-style: chr11-108365375-T-C. GRCh37 (hg19) VCF-style: chr11-108236102-T-C.
Other names: c.9038T>C, p.Leu3013Pro (NM_001351834.2); c.640+20545A>G (NM_001330368.2); c.694+20545A>G (NM_001351110.2); short protein forms L3013P.
Identifiers: ClinVar variation 1722163 (VCV001722163.6), dbSNP rs2137911113, ClinGen allele CA382531284.